The following is an entry in ClinVar:

ClinVar aggregate classification (germline): Uncertain significance (1 of 4 stars; one submission).

Allele frequency attached by ClinVar (database versions not stated): gnomAD exomes 0.00001; gnomAD 0.00002; TOPMed 0.00003.
gnomAD v4.1: 6 of 1,613,600 alleles (0.00037%); highest among the groups gnomAD compares: African/African-American, 0.004%; no homozygotes.

Submission:

Labcorp Genetics (formerly Invitae), Labcorp
Classification: Uncertain significance. Last evaluated: 2025-07-21. Review status: criteria provided, single submitter. Criteria: Invitae Variant Classification Sherloc (09022015). Collection method: clinical testing. Allele origin: germline.
Comment: This sequence change replaces threonine, which is neutral and polar, with alanine, which is neutral and non-polar, at codon 37 of the LYN protein (p.Thr37Ala). This variant is not present in population databases (gnomAD no frequency). This variant has not been reported in the literature in individuals affected with LYN-related conditions. ClinVar contains an entry for this variant (Variation ID: 1484709). An algorithm developed to predict the effect of missense changes on protein structure and function (PolyPhen-2) suggests that this variant is likely to be disruptive. In summary, the available evidence is currently insufficient to determine the role of this variant in disease. Therefore, it has been classified as a Variant of Uncertain Significance.

NM_002350.4(LYN):c.109A>G (p.Thr37Ala)

Gene: LYN (LYN proto-oncogene, Src family tyrosine kinase; plus strand). Cytogenetic location: 8q12.1.
Variant type: single nucleotide variant.
Coding change: c.109A>G on transcript NM_002350.4 (MANE Select); coding-DNA position 109, A replaced by G.
Protein change: p.Thr37Ala; replaces threonine 37 with alanine.
Molecular consequence: missense variant. On other transcripts: intron variant (1).
Genome position (GRCh38, 1-based): chr8:55,941,968, A>G. VCF-style: chr8-55941968-A-G. GRCh37 (hg19) VCF-style: chr8-56854527-A-G.
Other names: c.69+40A>G (NM_001111097.3); short protein forms T37A.
Identifiers: ClinVar variation 1484709 (VCV001484709.6), dbSNP rs1426951318, ClinGen allele CA371278061.
Genomic context (GRCh38, chr8:55,941,968, plus strand): 5'-GTAGATTTGAAGACTCAACCAGTACGTAATACTGAAAGAACTATTTATGTGAGAGATCCA[A>G]CGTCCAATAAACAGCAAAGGCCAGTAAGTAGATAGTCTCAGGGGAGAATTCCCACAGCAA-3'
Protein context (NP_002341.1, residues 27-47): TERTIYVRDP[Thr37Ala]SNKQQRPVPE